The following is an entry in ClinVar:

NM_005120.3(MED12):c.1247A>T (p.Gln416Leu)

Gene: MED12 (mediator complex subunit 12; plus strand). Cytogenetic location: Xq13.1.
Variant type: single nucleotide variant.
Coding change: c.1247A>T on transcript NM_005120.3 (MANE Select); coding-DNA position 1247, A replaced by T.
Protein change: p.Gln416Leu; replaces glutamine 416 with leucine.
Molecular consequence: missense variant.
Genome position (GRCh38, 1-based): chrX:71,122,345, A>T. VCF-style: chrX-71122345-A-T. GRCh37 (hg19) VCF-style: chrX-70342195-A-T.
Other names: NC_000023.10:g.70342195A>T; short protein forms Q416L.
Identifiers: ClinVar variation 2446662 (VCV002446662.2), dbSNP rs2519670010, ClinGen allele CA413505741.

ClinVar aggregate classification (germline): Uncertain significance (1 of 4 stars; one submission).

Submissions (2):

GeneDx
Classification: Uncertain significance. Last evaluated: 2022-09-30. Review status: criteria provided, single submitter. Criteria: GeneDx Variant Classification Process June 2021. Collection method: clinical testing. Allele origin: germline. Affected: yes.
Comment: Not observed at significant frequency in large population cohorts (gnomAD); In silico analysis supports that this missense variant has a deleterious effect on protein structure/function; In-silico analysis is inconclusive as to whether the variant alters gene splicing. In the absence of RNA/functional studies, the actual effect of this sequence change is unknown.; Has not been previously published as pathogenic or benign to our knowledge

Dr. Peter K. Rogan Lab, Western University
No classification provided (evidence only). Condition: Thyroid cancer, nonmedullary, 1. Review status: no classification provided. Collection method: in vitro. Allele origin: not applicable. Functional consequence: retained intron. Not counted in ClinVar's aggregate classification.